The following is an entry in ClinVar:

ClinVar aggregate classification (germline): Likely pathogenic. Review status: criteria provided, single submitter (1 of 4 stars). 2 submissions from 2 submitters: Likely pathogenic (1). 1 of the submissions does not count toward it. Last evaluated 2022-06-16.

Conditions:
Congenital disorder of glycosylation, type Iw, autosomal dominant (CDG1WAD). Identifiers: MedGen C5562068, MONDO:0859223, OMIM 619714.

Submissions (2):

SIB Swiss Institute of Bioinformatics
Classification: Likely pathogenic for Congenital disorder of glycosylation, type Iw, autosomal dominant. Last evaluated: 2022-06-16. Review status: criteria provided, single submitter. Criteria: ACMG Guidelines, 2015. Collection method: curation. Allele origin: unknown.
Comment: This variant is interpreted as likely pathogenic for congenital disorder of glycosylation 1W, autosomal dominant. The following ACMG Tag(s) were applied: Absent from controls (or at extremely low frequency if recessive) in Exome Sequencing Project, 1000 Genomes Project, or Exome Aggregation Consortium (PM2); De novo paternity and maternity confirmed (PS2); Multiple lines of computational evidence support a deleterious effect on the gene or gene product (PP3); Well-established functional studies show a deleterious effect (PS3 downgraded to moderate).

OMIM
Classification: Pathogenic for CONGENITAL DISORDER OF GLYCOSYLATION, TYPE Iw, AUTOSOMAL DOMINANT. Last evaluated: 2022-01-20. Review status: no assertion criteria provided. Collection method: literature only. Allele origin: germline. Not counted in ClinVar's aggregate classification.

Literature cited by the submitters: PubMed 34653363 (cited by SIB Swiss Institute of Bioinformatics and OMIM).

NM_152713.5(STT3A):c.479G>A (p.Arg160Gln)

Gene: STT3A (STT3 oligosaccharyltransferase complex catalytic subunit A; plus strand). Cytogenetic location: 11q24.2.
Variant type: single nucleotide variant.
Coding change: c.479G>A on transcript NM_152713.5 (MANE Select); coding-DNA position 479, G replaced by A.
Protein change: p.Arg160Gln; replaces arginine 160 with glutamine.
Molecular consequence: missense variant.
Genome position (GRCh38, 1-based): chr11:125,604,218, G>A. VCF-style: chr11-125604218-G-A. GRCh37 (hg19) VCF-style: chr11-125474113-G-A.
Other names: c.479G>A, p.Arg160Gln (NM_001278503.2); c.203G>A, p.Arg68Gln (NM_001278504.2); short protein forms R160Q, R68Q.
Identifiers: ClinVar variation 1334779 (VCV001334779.2), dbSNP rs2135921186, ClinGen allele CA383183719.